The following is an entry in ClinVar:

NM_006073.4(TRDN):c.1861G>T (p.Glu621Ter)

Gene: TRDN (triadin; minus strand). Cytogenetic location: 6q22.31.
Variant type: single nucleotide variant.
Coding change: c.1861G>T on transcript NM_006073.4 (MANE Select); coding-DNA position 1861, G replaced by T.
Protein change: p.Glu621Ter; replaces glutamic acid 621 with a stop codon.
Molecular consequence: nonsense.
Genome position (GRCh38, 1-based): chr6:123,259,633, C>A on the plus strand (G>T on the coding strand, the complement: TRDN is on the minus strand). VCF-style: chr6-123259633-C-A. GRCh37 (hg19) VCF-style: chr6-123580778-C-A.
Other names: short protein forms E621*.
Identifiers: ClinVar variation 2169943 (VCV002169943.4), dbSNP rs1227659153, ClinGen allele CA365563650.

ClinVar aggregate classification (germline): Uncertain significance (1 of 4 stars; one submission).

Conditions:
Catecholaminergic polymorphic ventricular tachycardia 1. Also called: VENTRICULAR TACHYCARDIA, STRESS-INDUCED POLYMORPHIC 1; RYR2-Related Catecholaminergic Polymorphic Ventricular Tachycardia; VENTRICULAR TACHYCARDIA, CATECHOLAMINERGIC POLYMORPHIC, 1, WITH OR WITHOUT ATRIAL DYSFUNCTION AND/OR DILATED CARDIOMYOPATHY. Identifiers: Orphanet 3286, MedGen C1631597, MONDO:0011484, OMIM 604772.

gnomAD v4.1: 1 of 1,474,910 alleles (0.000068%); highest among the groups gnomAD compares: Non-Finnish European, 0.000092%; no homozygotes.

Submission:

Labcorp Genetics (formerly Invitae), Labcorp
Classification: Uncertain significance for Catecholaminergic polymorphic ventricular tachycardia 1. Last evaluated: 2022-02-18. Review status: criteria provided, single submitter. Criteria: Invitae Variant Classification Sherloc (09022015). Collection method: clinical testing. Allele origin: germline.
Comment: This sequence change creates a premature translational stop signal (p.Glu621*) in the TRDN gene. It is expected to result in an absent or disrupted protein product. However, the current clinical and genetic evidence is not sufficient to establish whether loss-of-function variants in TRDN cause disease. The frequency data for this variant in the population databases is considered unreliable, as metrics indicate poor data quality at this position in the gnomAD database. This variant has not been reported in the literature in individuals affected with TRDN-related conditions. In summary, the available evidence is currently insufficient to determine the role of this variant in disease. Therefore, it has been classified as a Variant of Uncertain Significance.